The following is an entry in ClinVar:

NM_001693.4(ATP6V1B2):c.*3del

Gene: ATP6V1B2 (ATPase H+ transporting V1 subunit B2; plus strand). Cytogenetic location: 8p21.3.
Variant type: Deletion.
Coding change: c.*3del on transcript NM_001693.4 (MANE Select); 3 bases downstream of the stop codon, one base deleted (G; older notation c.*3delG).
Molecular consequence: 3 prime UTR variant.
Genome position (GRCh38, 1-based): chr8:20,220,405, G deleted. VCF-style (leftmost placement, unchanged base first): chr8-20220404-TG-T. GRCh37 (hg19) VCF-style: chr8-20077915-TG-T.
Identifiers: ClinVar variation 2658460 (VCV002658460.25), dbSNP rs141302257, ClinGen allele CA4657156.
Genomic context (GRCh38, chr8:20,220,404, plus strand): 5'-AGAGAATCCCTCAGAGCACCCTCAGCGAATTTTACCCTCGAGACTCTGCAAAGCATTAGC[TG>T]CTGCTTCTGCATTGCTCCGCGCTCTTGTGAAATACTGGTTCTGTTTTCTTTATTCCTTTT-3'

ClinVar aggregate classification (germline): Likely benign. Review status: criteria provided, multiple submitters, no conflicts (2 of 4 stars). 2 submissions from 2 submitters: Likely benign (2). Last evaluated 2026-06-01.

Allele frequency attached by ClinVar (database versions not stated): 1000 Genomes Project 0.00399; 1000 Genomes Project 30x 0.00422; ExAC 0.00433; gnomAD 0.00443; TOPMed 0.00526; gnomAD exomes 0.00587; ESP Exome Variant Server 0.00631.

Submissions (2):

CeGaT Center for Human Genetics Tuebingen
Classification: Likely benign. Last evaluated: 2026-06-01. Review status: criteria provided, single submitter. Criteria: CeGaT Center For Human Genetics Tuebingen Variant Classification Criteria Version 2. Collection method: clinical testing. Allele origin: germline. Affected: yes. Observed: 24 variant alleles.
Comment: ATP6V1B2: BS2

Blueprint Genetics
Classification: Likely benign. Last evaluated: 2024-11-25. Review status: criteria provided, single submitter. Criteria: ACMG Guidelines, 2015. Collection method: clinical testing. Allele origin: germline.